The following is an entry in ClinVar:

ClinVar aggregate classification (germline): Uncertain significance (1 of 4 stars; one submission).

Submission:

GeneDx
Classification: Uncertain significance. Last evaluated: 2022-06-30. Review status: criteria provided, single submitter. Criteria: GeneDx Variant Classification Process June 2021. Collection method: clinical testing. Allele origin: germline. Affected: yes.
Comment: Not observed at significant frequency in large population cohorts (gnomAD); In silico analysis supports that this missense variant does not alter protein structure/function; Has not been previously published as pathogenic or benign to our knowledge

NM_021224.6(ZNF462):c.2219G>T (p.Arg740Met)

Gene: ZNF462 (zinc finger protein 462; plus strand). Cytogenetic location: 9q31.2.
Variant type: single nucleotide variant.
Coding change: c.2219G>T on transcript NM_021224.6 (MANE Select); coding-DNA position 2219, G replaced by T.
Protein change: p.Arg740Met; replaces arginine 740 with methionine.
Molecular consequence: missense variant.
Genome position (GRCh38, 1-based): chr9:106,926,131, G>T. VCF-style: chr9-106926131-G-T. GRCh37 (hg19) VCF-style: chr9-109688412-G-T.
Other names: c.2219G>T, p.Arg740Met (NM_001347997.2); short protein forms R740M.
Identifiers: ClinVar variation 1878772 (VCV001878772.1), dbSNP rs2538750474, ClinGen allele CA374388946.